The following is an entry in ClinVar:

ClinVar aggregate classification (germline): Uncertain significance (1 of 4 stars; one submission).

Conditions:
Pyogenic arthritis-pyoderma gangrenosum-acne syndrome (PAPA). Also called: FAMILIAL RECURRENT ARTHRITIS; PAPA SYNDROME. Identifiers: Orphanet 69126, MedGen C1858361, MONDO:0011462, OMIM 604416.

Submission:

ARUP Laboratories, Molecular Genetics and Genomics, ARUP Laboratories
Classification: Uncertain significance for Pyogenic arthritis-pyoderma gangrenosum-acne syndrome. Last evaluated: 2021-04-12. Review status: criteria provided, single submitter. Criteria: ARUP Molecular Germline Variant Investigation Process 2021. Collection method: clinical testing. Allele origin: germline.
Comment: The PSTPIP1 c.438G>A; p.Gln146= variant, to our knowledge, has not been reported in the medical literature or gene specific databases. This variant is also absent from general population databases (1000 Genomes Project, Exome Variant Server, and Genome Aggregation Database), indicating it is not a common polymorphism. This variant does not alter the amino acid sequence of PSTPIP1 and is not predicted to alter splicing; however, the nucleotide a position 438 is highly conserved. Based on the available information, the clinical significance of this variant is uncertain.

NM_003978.5(PSTPIP1):c.438G>A (p.Gln146=)

Gene: PSTPIP1 (proline-serine-threonine phosphatase interacting protein 1; plus strand). Cytogenetic location: 15q24.3.
Variant type: single nucleotide variant.
Coding change: c.438G>A on transcript NM_003978.5 (MANE Select); coding-DNA position 438, G replaced by A.
Protein change: p.Gln146=; no amino-acid change (glutamine 146 retained).
Molecular consequence: synonymous variant. On other transcripts: non-coding transcript variant (1).
Genome position (GRCh38, 1-based): chr15:77,028,574, G>A. VCF-style: chr15-77028574-G-A. GRCh37 (hg19) VCF-style: chr15-77320915-G-A.
Other names: c.438G>A, p.Gln146= (NM_001321135.2); c.411G>A, p.Gln137= (NM_001321136.2); c.633G>A, p.Gln211= (NM_001321137.1).
Identifiers: ClinVar variation 1330702 (VCV001330702.7), dbSNP rs1141041, ClinGen allele CA491335744.